The following is an entry in ClinVar:

ClinVar aggregate classification (germline): Pathogenic/Likely pathogenic. Review status: criteria provided, multiple submitters, no conflicts (2 of 4 stars). 3 submissions from 3 submitters: Pathogenic (1); Likely pathogenic (2). Last evaluated 2025-02-04.

Conditions:
Bardet-Biedl syndrome 5 (BBS5). Identifiers: Orphanet 110, MedGen C3892039, MONDO:0014434, OMIM 615983.
BBS5-related disorder. Also called: BBS5-related condition.
Bardet-Biedl syndrome (BBS). Identifiers: Orphanet 110, MedGen C0752166, MONDO:0015229.

Allele frequency attached by ClinVar (database versions not stated): TOPMed below 0.00001.

Submissions (3):

PreventionGenetics, part of Exact Sciences
Classification: Likely pathogenic for BBS5-related condition. Last evaluated: 2025-02-04. Review status: criteria provided, single submitter. Criteria: ACMG Guidelines, 2015. Collection method: clinical testing. Allele origin: germline.
Comment: The BBS5 c.567G>A variant is predicted to result in premature protein termination (p.Trp189*). To our knowledge, this variant has not been reported in the literature or in a large population database, indicating this variant is rare. Nonsense variants in BBS5 are expected to be pathogenic. This variant is interpreted as likely pathogenic.

Fulgent Genetics
Classification: Likely pathogenic for Bardet-Biedl syndrome 5. Last evaluated: 2024-04-30. Review status: criteria provided, single submitter. Criteria: ACMG Guidelines, 2015. Collection method: clinical testing. Allele origin: germline.

Labcorp Genetics (formerly Invitae), Labcorp
Classification: Pathogenic for Bardet-Biedl syndrome. Last evaluated: 2022-07-06. Review status: criteria provided, single submitter. Criteria: Invitae Variant Classification Sherloc (09022015). Collection method: clinical testing. Allele origin: germline.
Comment: This sequence change creates a premature translational stop signal (p.Trp189*) in the BBS5 gene. It is expected to result in an absent or disrupted protein product. Loss-of-function variants in BBS5 are known to be pathogenic (PMID: 15137946, 16877420, 26325687, 27708425, 28041643, 29806606). This variant is not present in population databases (gnomAD no frequency). This variant has not been reported in the literature in individuals affected with BBS5-related conditions. ClinVar contains an entry for this variant (Variation ID: 854247). Algorithms developed to predict the effect of sequence changes on RNA splicing suggest that this variant may disrupt the consensus splice site. For these reasons, this variant has been classified as Pathogenic.

Literature cited by the submitters: PubMed 15137946 (cited by Labcorp Genetics (formerly Invitae), Labcorp); PubMed 16877420 (cited by Labcorp Genetics (formerly Invitae), Labcorp); PubMed 26325687 (cited by Labcorp Genetics (formerly Invitae), Labcorp); PubMed 27708425 (cited by Labcorp Genetics (formerly Invitae), Labcorp); PubMed 28041643 (cited by Labcorp Genetics (formerly Invitae), Labcorp); PubMed 29806606 (cited by Labcorp Genetics (formerly Invitae), Labcorp).

NM_152384.3(BBS5):c.567G>A (p.Trp189Ter)

Gene: BBS5 (Bardet-Biedl syndrome 5; plus strand). Cytogenetic location: 2q31.1.
Variant type: single nucleotide variant.
Coding change: c.567G>A on transcript NM_152384.3 (MANE Select); coding-DNA position 567, G replaced by A.
Protein change: p.Trp189Ter; replaces tryptophan 189 with a stop codon.
Molecular consequence: nonsense.
Genome position (GRCh38, 1-based): chr2:169,493,785, G>A. VCF-style: chr2-169493785-G-A. GRCh37 (hg19) VCF-style: chr2-170350295-G-A.
Other names: short protein forms W189*.
Identifiers: ClinVar variation 854247 (VCV000854247.9), dbSNP rs1683644662, ClinGen allele CA349165023.